The following is an entry in ClinVar:

NM_000540.3(RYR1):c.4354G>T (p.Val1452Phe)

Gene: RYR1 (ryanodine receptor 1; plus strand). Cytogenetic location: 19q13.2.
Variant type: single nucleotide variant.
Coding change: c.4354G>T on transcript NM_000540.3 (MANE Select); coding-DNA position 4354, G replaced by T.
Protein change: p.Val1452Phe; replaces valine 1452 with phenylalanine.
Molecular consequence: missense variant.
Genome position (GRCh38, 1-based): chr19:38,477,770, G>T. VCF-style: chr19-38477770-G-T. GRCh37 (hg19) VCF-style: chr19-38968410-G-T.
Other names: c.4354G>T, p.Val1452Phe (NM_001042723.2); short protein forms V1452F.
Identifiers: ClinVar variation 2130605 (VCV002130605.4), dbSNP rs2514177277, ClinGen allele CA405645858.

ClinVar aggregate classification (germline): Uncertain significance (1 of 4 stars; one submission).

Conditions:
RYR1-related disorder. Also called: RYR1-related condition; RYR1-related disorders. Identifiers: MedGen CN239331.

Submission:

Labcorp Genetics (formerly Invitae), Labcorp
Classification: Uncertain significance for RYR1-related disorder. Last evaluated: 2022-09-27. Review status: criteria provided, single submitter. Criteria: Invitae Variant Classification Sherloc (09022015). Collection method: clinical testing. Allele origin: germline.
Comment: In summary, the available evidence is currently insufficient to determine the role of this variant in disease. Therefore, it has been classified as a Variant of Uncertain Significance. Advanced modeling of protein sequence and biophysical properties (such as structural, functional, and spatial information, amino acid conservation, physicochemical variation, residue mobility, and thermodynamic stability) has been performed at Invitae for this missense variant, however the output from this modeling did not meet the statistical confidence thresholds required to predict the impact of this variant on RYR1 protein function. This variant has not been reported in the literature in individuals affected with RYR1-related conditions. This variant is not present in population databases (gnomAD no frequency). This sequence change replaces valine, which is neutral and non-polar, with phenylalanine, which is neutral and non-polar, at codon 1452 of the RYR1 protein (p.Val1452Phe).